The following is an entry in ClinVar:

NM_021930.6(RINT1):c.850C>A (p.Leu284Ile)

Gene: RINT1 (RAD50 interactor 1; plus strand). Cytogenetic location: 7q22.3.
Variant type: single nucleotide variant.
Coding change: c.850C>A on transcript NM_021930.6 (MANE Select); coding-DNA position 850, C replaced by A.
Protein change: p.Leu284Ile; replaces leucine 284 with isoleucine.
Molecular consequence: missense variant. On other transcripts: 5 prime UTR variant (2), non-coding transcript variant (1), intron variant (1).
Genome position (GRCh38, 1-based): chr7:105,548,564, C>A. VCF-style: chr7-105548564-C-A. GRCh37 (hg19) VCF-style: chr7-105189011-C-A.
Other names: c.616C>A, p.Leu206Ile (NM_001346599.2); c.-170C>A (NM_001346600.2); c.-75C>A (NM_001346601.2); c.-27-1491C>A (NM_001346603.2); short protein forms L284I, L206I.
Identifiers: ClinVar variation 1034719 (VCV001034719.12), dbSNP rs1790782018, ClinGen allele CA368807837.

ClinVar aggregate classification (germline): Uncertain significance. Review status: criteria provided, multiple submitters, no conflicts (2 of 4 stars). 2 submissions from 2 submitters: Uncertain significance (2). Last evaluated 2024-04-24.

gnomAD v4.1: 2 of 1,614,034 alleles (0.00012%); highest among the groups gnomAD compares: East Asian, 0.0022%; no homozygotes.

Submissions (2):

Ambry Genetics
Classification: Uncertain significance. Last evaluated: 2024-04-24. Review status: criteria provided, single submitter. Criteria: Ambry Variant Classification Scheme 2023. Collection method: clinical testing. Allele origin: germline.
Comment: The p.L284I variant (also known as c.850C>A), located in coding exon 7 of the RINT1 gene, results from a C to A substitution at nucleotide position 850. The leucine at codon 284 is replaced by isoleucine, an amino acid with highly similar properties. This amino acid position is not well conserved in available vertebrate species. In addition, this alteration is predicted to be tolerated by in silico analysis. The evidence for this gene-disease relationship is limited; therefore, the clinical significance of this alteration is unclear.

Labcorp Genetics (formerly Invitae), Labcorp
Classification: Uncertain significance. Last evaluated: 2022-04-29. Review status: criteria provided, single submitter. Criteria: Invitae Variant Classification Sherloc (09022015). Collection method: clinical testing. Allele origin: germline.
Comment: Algorithms developed to predict the effect of missense changes on protein structure and function (SIFT, PolyPhen-2, Align-GVGD) all suggest that this variant is likely to be tolerated. In summary, the available evidence is currently insufficient to determine the role of this variant in disease. Therefore, it has been classified as a Variant of Uncertain Significance. ClinVar contains an entry for this variant (Variation ID: 1034719). This sequence change replaces leucine, which is neutral and non-polar, with isoleucine, which is neutral and non-polar, at codon 284 of the RINT1 protein (p.Leu284Ile). This variant is not present in population databases (gnomAD no frequency). This variant has not been reported in the literature in individuals affected with RINT1-related conditions.